The following is an entry in ClinVar:

ClinVar aggregate classification (germline): Pathogenic/Likely pathogenic. Review status: criteria provided, multiple submitters, no conflicts (2 of 4 stars). 5 submissions from 5 submitters: Pathogenic (2); Likely pathogenic (3). Last evaluated 2024-07-19.

Conditions:
Developmental and epileptic encephalopathy, 18 (DEE18). Also called: Early infantile epileptic encephalopathy 18. Identifiers: Orphanet 369894, MedGen C3809624, MONDO:0014201, OMIM 615476.

Allele frequency attached by ClinVar (database versions not stated): TOPMed below 0.00001; ExAC 0.00001; gnomAD 0.00001; gnomAD exomes 0.00001 and 0.00002.
gnomAD v4.1: 13 of 1,613,922 alleles (0.00081%); highest among the groups gnomAD compares: East Asian, 0.0045%; no homozygotes.

Submissions (5):

Labcorp Genetics (formerly Invitae), Labcorp
Classification: Pathogenic. Last evaluated: 2024-07-19. Review status: criteria provided, single submitter. Criteria: Invitae Variant Classification Sherloc (09022015). Collection method: clinical testing. Allele origin: germline.
Comment: This sequence change creates a premature translational stop signal (p.Arg1912*) in the SZT2 gene. It is expected to result in an absent or disrupted protein product. Loss-of-function variants in SZT2 are known to be pathogenic (PMID: 23932106, 27248490, 28556953). This variant is present in population databases (rs764896693, gnomAD 0.01%). This variant has not been reported in the literature in individuals affected with SZT2-related conditions. ClinVar contains an entry for this variant (Variation ID: 932499). For these reasons, this variant has been classified as Pathogenic.

Genome-Nilou Lab
Classification: Likely pathogenic for Developmental and epileptic encephalopathy, 18. Last evaluated: 2023-04-11. Review status: criteria provided, single submitter. Criteria: ACMG Guidelines, 2015. Collection method: clinical testing. Allele origin: germline. Affected: no.

Department of Clinical Genetics, Copenhagen University Hospital, Rigshospitalet
Classification: Likely pathogenic for Developmental and epileptic encephalopathy, 18. Last evaluated: 2021-08-01. Review status: criteria provided, single submitter. Criteria: ACMG Guidelines, 2015. Collection method: clinical testing. Allele origin: unknown. Affected: yes.

CeGaT Center for Human Genetics Tuebingen
Classification: Likely pathogenic. Last evaluated: 2020-07-01. Review status: criteria provided, single submitter. Criteria: CeGaT Center For Human Genetics Tuebingen Variant Classification Criteria Version 2. Collection method: clinical testing. Allele origin: germline. Affected: yes. Observed: 2 variant alleles.

Juno Genomics, Hangzhou Juno Genomics, Inc
Classification: Pathogenic for Developmental and epileptic encephalopathy, 18. Review status: criteria provided, single submitter. Criteria: ACMG Guidelines, 2015. Collection method: clinical testing. Allele origin: germline.
Comment: Absent from controls (or at extremely low frequency if recessive) in Genome Aggregation Database.;Null variant in a gene where loss of function (LOF) is a known mechanism of disease.;For recessive disorders, detected in trans with a pathogenic variant.

Literature cited by the submitters: PubMed 23932106 (cited by Labcorp Genetics (formerly Invitae), Labcorp); PubMed 27248490 (cited by Labcorp Genetics (formerly Invitae), Labcorp); PubMed 28556953 (cited by Labcorp Genetics (formerly Invitae), Labcorp).

NM_001365999.1(SZT2):c.5905C>T (p.Arg1969Ter)

Gene: SZT2 (SZT2 subunit of KICSTOR complex; plus strand). Cytogenetic location: 1p34.2.
Variant type: single nucleotide variant.
Coding change: c.5905C>T on transcript NM_001365999.1 (MANE Select); coding-DNA position 5905, C replaced by T.
Protein change: p.Arg1969Ter; replaces arginine 1969 with a stop codon.
Molecular consequence: nonsense.
Genome position (GRCh38, 1-based): chr1:43,435,200, C>T. VCF-style: chr1-43435200-C-T. GRCh37 (hg19) VCF-style: chr1-43900871-C-T.
Other names: c.5734C>T, p.Arg1912Ter (NM_015284.4); short protein forms R1969*, R1912*.
Identifiers: ClinVar variation 932499 (VCV000932499.47), dbSNP rs764896693, ClinGen allele CA809744.